The following is an entry in ClinVar:

NM_001042492.3(NF1):c.7355G>T (p.Arg2452Leu)

Gene: NF1 (neurofibromin 1; plus strand). Cytogenetic location: 17q11.2.
Variant type: single nucleotide variant.
Coding change: c.7355G>T on transcript NM_001042492.3 (MANE Select); coding-DNA position 7355, G replaced by T.
Protein change: p.Arg2452Leu; replaces arginine 2452 with leucine.
Molecular consequence: missense variant.
Genome position (GRCh38, 1-based): chr17:31,350,216, G>T. VCF-style: chr17-31350216-G-T. GRCh37 (hg19) VCF-style: chr17-29677234-G-T.
Other names: c.7292G>T, p.Arg2431Leu (NM_000267.4); short protein forms R2431L, R2452L.
Identifiers: ClinVar variation 1362786 (VCV001362786.8), dbSNP rs1555536122, ClinGen allele CA399017012.
Genomic context (GRCh38, chr17:31,350,216, plus strand): 5'-TTTAACCTGCCACCGTTTTCCTTTTAGCTTTACTTACAGTGTCTGAAGAAGTTCGAAGTC[G>T]CTGCAGCCTAAAACATAGAAAGTCACTTCTTCTTACTGATATTTCAATGGAAAATGTTCC-3'
Protein context (NP_001035957.1, residues 2442-2462): LLTVSEEVRS[Arg2452Leu]CSLKHRKSLL

ClinVar aggregate classification (germline): Uncertain significance. Review status: criteria provided, multiple submitters, no conflicts (2 of 4 stars). 3 submissions from 3 submitters: Uncertain significance (2). 1 of the submissions does not count toward it. Last evaluated 2025-06-04.

Conditions:
NF1-related disorder. Also called: NF1-related condition. Identifiers: MedGen CN379171.
Hereditary cancer-predisposing syndrome. Also called: Hereditary Cancer Syndrome; Hereditary neoplastic syndrome; Tumor predisposition; Neoplastic Syndromes, Hereditary. Identifiers: Orphanet 140162, MedGen C0027672, MeSH D009386, MONDO:0015356.
Cardiovascular phenotype. Identifiers: MedGen CN230736.
Neurofibromatosis, type 1 (NF1). Also called: NEUROFIBROMATOSIS, TYPE I, SOMATIC; VON RECKLINGHAUSEN DISEASE; Neurofibromatosis, type I; Peripheral type neurofibromatosis. Identifiers: Orphanet 636, MedGen C0027831, MONDO:0018975, OMIM 162200. Disease mechanism: loss of function.

Submissions (3):

Labcorp Genetics (formerly Invitae), Labcorp
Classification: Uncertain significance for Neurofibromatosis, type 1. Last evaluated: 2025-06-04. Review status: criteria provided, single submitter. Criteria: Invitae Variant Classification Sherloc (09022015). Collection method: clinical testing. Allele origin: germline.
Comment: This sequence change replaces arginine, which is basic and polar, with leucine, which is neutral and non-polar, at codon 2431 of the NF1 protein (p.Arg2431Leu). This variant is not present in population databases (gnomAD no frequency). This variant has not been reported in the literature in individuals affected with NF1-related conditions. ClinVar contains an entry for this variant (Variation ID: 1362786). Invitae Evidence Modeling of protein sequence and biophysical properties (such as structural, functional, and spatial information, amino acid conservation, physicochemical variation, residue mobility, and thermodynamic stability) indicates that this missense variant is expected to disrupt NF1 protein function with a positive predictive value of 95%. In summary, the available evidence is currently insufficient to determine the role of this variant in disease. Therefore, it has been classified as a Variant of Uncertain Significance.

Ambry Genetics
Classification: Uncertain significance for Cardiovascular phenotype; Hereditary cancer-predisposing syndrome. Last evaluated: 2023-10-16. Review status: criteria provided, single submitter. Criteria: Ambry Variant Classification Scheme 2023. Collection method: clinical testing. Allele origin: germline.
Comment: The p.R2431L variant (also known as c.7292G>T), located in coding exon 49 of the NF1 gene, results from a G to T substitution at nucleotide position 7292. The arginine at codon 2431 is replaced by leucine, an amino acid with dissimilar properties. This amino acid position is conserved. In addition, the in silico prediction for this alteration is inconclusive. Since supporting evidence is limited at this time, the clinical significance of this alteration remains unclear.

PreventionGenetics, part of Exact Sciences
Classification: Uncertain significance for NF1-related condition. Last evaluated: 2024-04-25. Review status: no assertion criteria provided. Collection method: clinical testing. Allele origin: germline. Not counted in ClinVar's aggregate classification.
Comment: The NF1 c.7355G>T variant is predicted to result in the amino acid substitution p.Arg2452Leu. To our knowledge, this variant has not been reported in association with disorder as a germline variant in the literature or in a large population database, indicating this variant is rare. At this time, the clinical significance of this variant is uncertain due to the absence of conclusive functional and genetic evidence.